The following is an entry in ClinVar:

ClinVar aggregate classification (germline): Uncertain significance. Review status: criteria provided, multiple submitters, no conflicts (2 of 4 stars). 2 submissions from 2 submitters: Uncertain significance (2). Last evaluated 2023-11-09.

Conditions:
Frasier syndrome. Identifiers: Orphanet 347, MedGen C0950122, MeSH D052159, MONDO:0007635, OMIM 136680.
Drash syndrome (DDS). Also called: WILMS TUMOR AND PSEUDO- OR TRUE HERMAPHRODITISM; NEPHROPATHY, WILMS TUMOR, AND GENITAL ANOMALIES. Identifiers: Orphanet 220, MedGen C0950121, MONDO:0008682, OMIM 194080.
Wilms tumor 1 (WT1). Also called: Wilms tumor, somatic. Identifiers: Orphanet 654, MedGen CN033288, MONDO:0008679, OMIM 194070.
11p partial monosomy syndrome (WAGR). Also called: WAGR Complex; WAGR syndrome; WAGR Spectrum Disorder; CHROMOSOME 11p13 DELETION SYNDROME. Identifiers: Orphanet 893, MedGen C0206115, MONDO:0008681, OMIM 194072.

Allele frequency attached by ClinVar (database versions not stated): gnomAD exomes below 0.00001; gnomAD 0.00001.
gnomAD v4.1: 7 of 1,610,132 alleles (0.00043%); highest among the groups gnomAD compares: Non-Finnish European, 0.00059%; no homozygotes.

Submissions (2):

Labcorp Genetics (formerly Invitae), Labcorp
Classification: Uncertain significance for Wilms tumor 1; Drash syndrome; 11p partial monosomy syndrome; Frasier syndrome. Last evaluated: 2023-11-09. Review status: criteria provided, single submitter. Criteria: Invitae Variant Classification Sherloc (09022015). Collection method: clinical testing. Allele origin: germline.
Comment: This sequence change replaces valine, which is neutral and non-polar, with alanine, which is neutral and non-polar, at codon 267 of the WT1 protein (p.Val267Ala). This variant is not present in population databases (gnomAD no frequency). This variant has not been reported in the literature in individuals affected with WT1-related conditions. ClinVar contains an entry for this variant (Variation ID: 844262). An algorithm developed to predict the effect of missense changes on protein structure and function (PolyPhen-2) suggests that this variant is likely to be disruptive. In summary, the available evidence is currently insufficient to determine the role of this variant in disease. Therefore, it has been classified as a Variant of Uncertain Significance.

GeneDx
Classification: Uncertain significance. Last evaluated: 2023-04-18. Review status: criteria provided, single submitter. Criteria: GeneDx Variant Classification Process June 2021. Collection method: clinical testing. Allele origin: germline. Affected: yes.
Comment: Not observed at significant frequency in large population cohorts (gnomAD); In silico analysis supports that this missense variant has a deleterious effect on protein structure/function; Has not been previously published as pathogenic or benign to our knowledge; This variant is associated with the following publications: (PMID: 8486616)

NM_024426.6(WT1):c.815T>C (p.Val272Ala)

Gene: WT1 (WT1 transcription factor; minus strand). Cytogenetic location: 11p13.
Variant type: single nucleotide variant.
Coding change: c.815T>C on transcript NM_024426.6 (MANE Select); coding-DNA position 815, T replaced by C.
Protein change: p.Val272Ala; replaces valine 272 with alanine.
Molecular consequence: missense variant. On other transcripts: non-coding transcript variant (1).
Genome position (GRCh38, 1-based): chr11:32,428,028, A>G on the plus strand (T>C on the coding strand, the complement: WT1 is on the minus strand). VCF-style: chr11-32428028-A-G. GRCh37 (hg19) VCF-style: chr11-32449574-A-G.
Other names: c.815T>C, p.Val272Ala (NM_000378.6, NM_001407044.1, NM_001407045.1 and 4 more transcripts); c.164T>C, p.Val55Ala (NM_001198551.2, NM_001198552.2); c.692T>C, p.Val231Ala (NM_001407047.1, NM_001407050.1); c.53T>C, p.Val18Ala (NM_001407051.1); c.800T>C, p.Val267Ala (NM_024425.2); short protein forms V55A, V272A, V231A, V267A, V18A.
Identifiers: ClinVar variation 844262 (VCV000844262.12), dbSNP rs1298646630, ClinGen allele CA379963083.